The following is an entry in ClinVar:

NM_078629.4(MSL3):c.1221C>A (p.Ser407Arg)

Gene: MSL3 (MSL complex subunit 3; plus strand). Cytogenetic location: Xp22.2.
Variant type: single nucleotide variant.
Coding change: c.1221C>A on transcript NM_078629.4 (MANE Select); coding-DNA position 1221, C replaced by A.
Protein change: p.Ser407Arg; replaces serine 407 with arginine.
Molecular consequence: missense variant.
Genome position (GRCh38, 1-based): chrX:11,768,622, C>A. VCF-style: chrX-11768622-C-A. GRCh37 (hg19) VCF-style: chrX-11786741-C-A.
Other names: c.1185C>A, p.Ser395Arg (NM_001193270.2); c.774C>A, p.Ser258Arg (NM_001282174.1); c.723C>A, p.Ser241Arg (NM_006800.4); short protein forms S241R, S258R, S395R, S407R.
Identifiers: ClinVar variation 2659997 (VCV002659997.24), dbSNP rs1452564593, ClinGen allele CA412066627.
Genomic context (GRCh38, chrX:11,768,622, plus strand): 5'-TTCTTTGGAAGAGACACCTGTGCATAGCAGATCATCTTCACCTATTCCTCTGACTCCTAG[C>A]AAGGAAGGGAGTGCTGTGTTTGCTGGCTTTGAAGGGAGAAGAACTAATGAAATAAACGAG-3'
Protein context (NP_523353.2, residues 397-417): RSSSPIPLTP[Ser407Arg]KEGSAVFAGF

ClinVar aggregate classification (germline): Uncertain significance (1 of 4 stars; one submission).

Allele frequency attached by ClinVar (database versions not stated): gnomAD exomes below 0.00001.
gnomAD v4.1: 1 of 1,208,349 alleles (0.000083%); highest among the groups gnomAD compares: African/African-American, 0.0017%; no homozygotes.

Submission:

CeGaT Center for Human Genetics Tuebingen
Classification: Uncertain significance. Last evaluated: 2023-05-01. Review status: criteria provided, single submitter. Criteria: CeGaT Center For Human Genetics Tuebingen Variant Classification Criteria Version 2. Collection method: clinical testing. Allele origin: germline. Affected: yes. Observed: 1 variant allele.
Comment: MSL3: PM2, BP1